The following is an entry in ClinVar:

ClinVar aggregate classification (germline): Likely benign. Review status: criteria provided, multiple submitters, no conflicts (2 of 4 stars). 4 submissions from 4 submitters: Likely benign (4). Last evaluated 2025-09-03.

Conditions:
Familial thoracic aortic aneurysm and aortic dissection (TAAD). Also called: Thoracic aortic aneurysms and dissections. Identifiers: Orphanet 91387, MedGen C4707243, MONDO:0019625.
Marfan syndrome (MFS). Also called: Marfan syndrome type 1; Marfan syndrome, classic; Marfan's syndrome; FBN1-Related Marfan Syndrome; MARFAN SYNDROME, TYPE I. Identifiers: Orphanet 284963, Orphanet 558, MedGen C0024796, MONDO:0007947, OMIM 154700.

Allele frequency attached by ClinVar (database versions not stated): TOPMed 0.00001.
gnomAD v4.1: 10 of 1,614,018 alleles (0.00062%); highest among the groups gnomAD compares: Non-Finnish European, 0.00085%; no homozygotes.

Submissions (4):

Labcorp Genetics (formerly Invitae), Labcorp
Classification: Likely benign for Marfan syndrome; Familial thoracic aortic aneurysm and aortic dissection. Last evaluated: 2025-09-03. Review status: criteria provided, single submitter. Criteria: Invitae Variant Classification Sherloc (09022015). Collection method: clinical testing. Allele origin: germline.

All of Us Research Program, National Institutes of Health
Classification: Likely benign for Marfan syndrome. Last evaluated: 2023-11-02. Review status: criteria provided, single submitter. Criteria: ACMG Guidelines, 2015. Collection method: clinical testing. Allele origin: germline. Inheritance: Autosomal dominant inheritance. Observed: 2 variant alleles, 2 heterozygotes.
Comment: This study involves interpretation of variants in research participants for the purpose of population health screening. Participant phenotype was not available at the time of variant classification. Additional details can be found in publication PMID: 35346344, PMCID: PMC8962531

Color Diagnostics, LLC DBA Color Health
Classification: Likely benign for Familial thoracic aortic aneurysm and aortic dissection. Last evaluated: 2019-03-22. Review status: criteria provided, single submitter. Criteria: ACMG Guidelines, 2015. Collection method: clinical testing. Allele origin: germline.

Ambry Genetics
Classification: Likely benign for Familial thoracic aortic aneurysm and aortic dissection. Last evaluated: 2017-10-14. Review status: criteria provided, single submitter. Criteria: Ambry Variant Classification Scheme 2023. Collection method: clinical testing. Allele origin: germline.

NM_000138.5(FBN1):c.1506T>C (p.Gly502=)

Gene: FBN1 (fibrillin 1; minus strand). Cytogenetic location: 15q21.1.
Variant type: single nucleotide variant.
Coding change: c.1506T>C on transcript NM_000138.5 (MANE Select); coding-DNA position 1506, T replaced by C.
Protein change: p.Gly502=; no amino-acid change (glycine 502 retained).
Molecular consequence: synonymous variant.
Genome position (GRCh38, 1-based): chr15:48,513,631, A>G on the plus strand (T>C on the coding strand, the complement: FBN1 is on the minus strand). VCF-style: chr15-48513631-A-G. GRCh37 (hg19) VCF-style: chr15-48805828-A-G.
Identifiers: ClinVar variation 519766 (VCV000519766.11), dbSNP rs770426679, ClinGen allele CA269557552.